The following is an entry in ClinVar:

ClinVar aggregate classification (germline): Uncertain significance. Review status: criteria provided, multiple submitters, no conflicts (2 of 4 stars). 2 submissions from 2 submitters: Uncertain significance (2). Last evaluated 2024-02-22.

Conditions:
Hereditary cancer-predisposing syndrome. Also called: Hereditary Cancer Syndrome; Neoplastic Syndromes, Hereditary; Tumor predisposition; Hereditary neoplastic syndrome. Identifiers: Orphanet 140162, MedGen C0027672, MeSH D009386, MONDO:0015356.

Submissions (2):

Ambry Genetics
Classification: Uncertain significance for Hereditary cancer-predisposing syndrome. Last evaluated: 2024-02-22. Review status: criteria provided, single submitter. Criteria: Ambry Variant Classification Scheme 2023. Collection method: clinical testing. Allele origin: germline.
Comment: The p.I265T variant (also known as c.794T>C), located in coding exon 5 of the MSH3 gene, results from a T to C substitution at nucleotide position 794. The isoleucine at codon 265 is replaced by threonine, an amino acid with similar properties. This amino acid position is well conserved in available vertebrate species. In addition, the in silico prediction for this alteration is inconclusive. Since supporting evidence is limited at this time, the clinical significance of this alteration remains unclear.

Labcorp Genetics (formerly Invitae), Labcorp
Classification: Uncertain significance. Last evaluated: 2023-12-26. Review status: criteria provided, single submitter. Criteria: Invitae Variant Classification Sherloc (09022015). Collection method: clinical testing. Allele origin: germline.
Comment: This sequence change replaces isoleucine, which is neutral and non-polar, with threonine, which is neutral and polar, at codon 265 of the MSH3 protein (p.Ile265Thr). This variant is not present in population databases (gnomAD no frequency). This variant has not been reported in the literature in individuals affected with MSH3-related conditions. ClinVar contains an entry for this variant (Variation ID: 1023441). An algorithm developed to predict the effect of missense changes on protein structure and function (PolyPhen-2) suggests that this variant is likely to be disruptive. In summary, the available evidence is currently insufficient to determine the role of this variant in disease. Therefore, it has been classified as a Variant of Uncertain Significance.

NM_002439.5(MSH3):c.794T>C (p.Ile265Thr)

Gene: MSH3 (mutS homolog 3; plus strand). Cytogenetic location: 5q14.1.
Variant type: single nucleotide variant.
Coding change: c.794T>C on transcript NM_002439.5 (MANE Select); coding-DNA position 794, T replaced by C.
Protein change: p.Ile265Thr; replaces isoleucine 265 with threonine.
Molecular consequence: missense variant.
Genome position (GRCh38, 1-based): chr5:80,672,245, T>C. VCF-style: chr5-80672245-T-C. GRCh37 (hg19) VCF-style: chr5-79968064-T-C.
Other names: short protein forms I265T.
Identifiers: ClinVar variation 1023441 (VCV001023441.11), dbSNP rs1749739143, ClinGen allele CA360267053.
Genomic context (GRCh38, chr5:80,672,245, plus strand): 5'-CATCACATAGGGAATCTTAAAATATAAATTTATTGATATTTTCTTTTTTCATTTTTTAGA[T>C]TGCAGCCCGAGAGCTCAATATTTATTGCCATTTAGATCACAACTTTATGACAGCAAGTAT-3'
Protein context (NP_002430.3, residues 255-275): KYRFFGEDAE[Ile265Thr]AARELNIYCH